The following is an entry in ClinVar:

NM_001365951.3(KIF1B):c.3661C>T (p.Pro1221Ser)

Gene: KIF1B (kinesin family member 1B; plus strand). Cytogenetic location: 1p36.22.
Variant type: single nucleotide variant.
Coding change: c.3661C>T on transcript NM_001365951.3 (MANE Select); coding-DNA position 3661, C replaced by T.
Protein change: p.Pro1221Ser; replaces proline 1221 with serine.
Molecular consequence: missense variant.
Genome position (GRCh38, 1-based): chr1:10,343,260, C>T. VCF-style: chr1-10343260-C-T. GRCh37 (hg19) VCF-style: chr1-10403318-C-T.
Other names: c.3661C>T, p.Pro1221Ser (NM_001365952.1); c.3523C>T, p.Pro1175Ser (NM_015074.3); short protein forms P1175S, P1221S.
Identifiers: ClinVar variation 3288381 (VCV003288381.1).

ClinVar aggregate classification (germline): Uncertain significance (1 of 4 stars; one submission).

Submission:

Ambry Genetics
Classification: Uncertain significance. Last evaluated: 2024-03-23. Review status: criteria provided, single submitter. Criteria: Ambry Variant Classification Scheme 2023. Collection method: clinical testing. Allele origin: germline.
Comment: The p.P1175S variant (also known as c.3523C>T), located in coding exon 31 of the KIF1B gene, results from a C to T substitution at nucleotide position 3523. The proline at codon 1175 is replaced by serine, an amino acid with similar properties. This amino acid position is conserved. In addition, the in silico prediction for this alteration is inconclusive. Based on the available evidence, the clinical significance of this alteration remains unclear.